The following is an entry in ClinVar:

NM_000094.4(COL7A1):c.4693_4695delinsTCTGAAACCTCCGCGGATCCCT (p.Arg1565fs)

Gene: COL7A1 (collagen type VII alpha 1 chain; minus strand). Cytogenetic location: 3p21.31.
Variant type: Indel.
Coding change: c.4693_4695delinsTCTGAAACCTCCGCGGATCCCT on transcript NM_000094.4 (MANE Select); coding-DNA positions 4693 to 4695, AGA replaced by TCTGAAACCTCCGCGGATCCCT.
Protein change: p.Arg1565fs; shifts the reading frame from arginine 1565.
Molecular consequence: frameshift variant.
Genome position (GRCh38, 1-based): chr3:48,581,733-48,581,735, TCT replaced by AGGGATCCGCGGAGGTTTCAGA on the plus strand (AGA replaced by TCTGAAACCTCCGCGGATCCCT on the coding strand, the reverse complement: COL7A1 is on the minus strand). VCF-style: chr3-48581733-TCT-AGGGATCCGCGGAGGTTTCAGA. GRCh37 (hg19) VCF-style: chr3-48619166-TCT-AGGGATCCGCGGAGGTTTCAGA.
Other names: short protein forms R1565fs.
Identifiers: ClinVar variation 5015483 (VCV005015483.1).

ClinVar aggregate classification (germline): Pathogenic (1 of 4 stars; one submission).

Conditions:
Recessive dystrophic epidermolysis bullosa (RDEB). Also called: DYSTROPHIC EPIDERMOLYSIS BULLOSA, AUTOSOMAL RECESSIVE; EPIDERMOLYSIS BULLOSA DYSTROPHICA, HALLOPEAU-SIEMENS TYPE; Hallopeau-Siemens Disease; severe generalized recessive dystrophic epidermolysis bullosa; EPIDERMOLYSIS BULLOSA DYSTROPHICA, GENERALIZED SEVERE, AUTOSOMAL RECESSIVE; Epidermolysis Bullosa Distrophica Autosomal Recessive (RDEB). Identifiers: Orphanet 79408, Orphanet 79409, MedGen C0079474, MONDO:0009179, OMIM 226600.

Submission:

Myriad Genetics, Inc.
Classification: Pathogenic for Recessive dystrophic epidermolysis bullosa. Last evaluated: 2026-01-25. Review status: criteria provided, single submitter. Criteria: Myriad Autosomal Dominant, Autosomal Recessive and X-Linked Classification Criteria (2023). Collection method: clinical testing. Allele origin: unknown.
Comment: NM_000094.3(COL7A1):c.4693_4695del3ins22(R1565Sfs*50) is expected to be pathogenic in the context of dystrophic epidermolysis bullosa. This variant is predicted to lead to an abnormal or absent protein product due to the creation of a premature termination codon in COL7A1, a gene where loss-of-function variants are known to be pathogenic. Please note: this variant was assessed in the context of healthy population screening.